The following is an entry in ClinVar:

NM_000465.4(BARD1):c.447T>A (p.Pro149=)

Gene: BARD1 (BRCA1 associated RING domain 1; minus strand). Cytogenetic location: 2q35.
Variant type: single nucleotide variant.
Coding change: c.447T>A on transcript NM_000465.4 (MANE Select); coding-DNA position 447, T replaced by A.
Protein change: p.Pro149=; no amino-acid change (proline 149 retained).
Molecular consequence: synonymous variant. On other transcripts: non-coding transcript variant (2), intron variant (3).
Genome position (GRCh38, 1-based): chr2:214,781,427, A>T on the plus strand (T>A on the coding strand, the complement: BARD1 is on the minus strand). VCF-style: chr2-214781427-A-T. GRCh37 (hg19) VCF-style: chr2-215646151-A-T.
Other names: c.390T>A, p.Pro130= (NM_001282543.2); c.158+27985T>A (NM_001282548.2); c.215+15634T>A (NM_001282545.2); c.364+10870T>A (NM_001282549.2).
Identifiers: ClinVar variation 3378783 (VCV003378783.1).

ClinVar aggregate classification (germline): Benign (1 of 4 stars; one submission).

Conditions:
Familial cancer of breast. Also called: hereditary breast carcinoma; Hereditary breast cancer; BREAST CANCER, FAMILIAL. Identifiers: Orphanet 227535, MedGen C0346153, MONDO:0016419, OMIM 114480. Disease mechanism: loss of function.

gnomAD v4.1: 3 of 1,613,534 alleles (0.00019%); highest among the groups gnomAD compares: South Asian, 0.0022%; no homozygotes.

Submission:

Myriad Genetics, Inc.
Classification: Benign for Familial cancer of breast. Last evaluated: 2024-07-22. Review status: criteria provided, single submitter. Criteria: Myriad Autosomal Dominant, Autosomal Recessive and X-Linked Classification Criteria (2023). Collection method: clinical testing. Allele origin: unknown.
Comment: This variant is considered benign. This variant is a silent/synonymous amino acid change and it is not expected to impact splicing.